The following is an entry in ClinVar:

ClinVar aggregate classification (germline): Uncertain significance (1 of 4 stars; one submission).

Submission:

Labcorp Genetics (formerly Invitae), Labcorp
Classification: Uncertain significance. Last evaluated: 2025-11-10. Review status: criteria provided, single submitter. Criteria: Invitae Variant Classification Sherloc (09022015). Collection method: clinical testing. Allele origin: germline.
Comment: This sequence change replaces alanine, which is neutral and non-polar, with proline, which is neutral and non-polar, at codon 150 of the NTHL1 protein (p.Ala150Pro). This variant is not present in population databases (gnomAD no frequency). This variant has not been reported in the literature in individuals affected with NTHL1-related conditions. An algorithm developed to predict the effect of missense changes on protein structure and function (PolyPhen-2) suggests that this variant is likely to be disruptive. In summary, the available evidence is currently insufficient to determine the role of this variant in disease. Therefore, it has been classified as a Variant of Uncertain Significance.

NM_002528.7(NTHL1):c.424G>C (p.Ala142Pro)

Gene: NTHL1 (nth like DNA glycosylase 1; minus strand). Cytogenetic location: 16p13.3.
Variant type: single nucleotide variant.
Coding change: c.424G>C on transcript NM_002528.7 (MANE Select); coding-DNA position 424, G replaced by C.
Protein change: p.Ala142Pro; replaces alanine 142 with proline.
Molecular consequence: missense variant. On other transcripts: intron variant (1).
Genome position (GRCh38, 1-based): chr16:2,044,731, C>G on the plus strand (G>C on the coding strand, the complement: NTHL1 is on the minus strand). VCF-style: chr16-2044731-C-G. GRCh37 (hg19) VCF-style: chr16-2094732-C-G.
Other names: c.355-1005G>C (NM_001318193.2); c.94G>C, p.Ala32Pro (NM_001318194.2); short protein forms A142P, A32P.
Identifiers: ClinVar variation 4730873 (VCV004730873.1).